The following is an entry in ClinVar:

ClinVar aggregate classification (germline): Uncertain significance (1 of 4 stars; one submission).

Submission:

Ambry Genetics
Classification: Uncertain significance. Last evaluated: 2026-08-19. Review status: criteria provided, single submitter. Criteria: Ambry Variant Classification Scheme 2023. Collection method: clinical testing. Allele origin: germline.
Comment: The p.H165Y variant (also known as c.493C>T), located in coding exon 5 of the RRAS gene, results from a C to T substitution at nucleotide position 493. The histidine at codon 165 is replaced by tyrosine, an amino acid with similar properties. This amino acid position is conserved. In addition, this alteration is predicted to be tolerated by in silico analysis. Based on the available evidence, the clinical significance of this variant remains unclear.

NM_006270.5(RRAS):c.493C>T (p.His165Tyr)

Gene: RRAS (RAS related; minus strand). Cytogenetic location: 19q13.33.
Variant type: single nucleotide variant.
Coding change: c.493C>T on transcript NM_006270.5 (MANE Select); coding-DNA position 493, C replaced by T.
Protein change: p.His165Tyr; replaces histidine 165 with tyrosine.
Molecular consequence: missense variant.
Genome position (GRCh38, 1-based): chr19:49,635,813, G>A on the plus strand (C>T on the coding strand, the complement: RRAS is on the minus strand). VCF-style: chr19-49635813-G-A. GRCh37 (hg19) VCF-style: chr19-50139070-G-A.
Other names: short protein forms H165Y.
Identifiers: ClinVar variation 5028439 (VCV005028439.1).
Genomic context (GRCh38, chr19:49,635,813, plus strand): 5'-GCTCAAAAGCCTCGTCCACGTTGAGACGCAGTTTGGCCGAGGCCTCAAAGTAGGCCACGT[G>A]GTGGGAGGCGCCGAAGGCAGAGGCTTCTGATCGGGGGACCTGGGGGTAGGGGGGACACGG-3'
Protein context (NP_006261.1, residues 155-175): SEASAFGASH[His165Tyr]VAYFEASAKL